The following is an entry in ClinVar:

ClinVar aggregate classification (germline): Uncertain significance (1 of 4 stars; one submission).

Conditions:
Dilated cardiomyopathy 1G (CMD1G). Identifiers: Orphanet 154, MedGen C1858763, MONDO:0011400, OMIM 604145.
Autosomal recessive limb-girdle muscular dystrophy type 2J (LGMDR10). Also called: Limb-girdle muscular dystrophy, type 2J; MUSCULAR DYSTROPHY, LIMB-GIRDLE, AUTOSOMAL RECESSIVE 10. Identifiers: Orphanet 140922, MedGen C1837342, MONDO:0012127, OMIM 608807.

Allele frequency attached by ClinVar (database versions not stated): TOPMed below 0.00001; ESP Exome Variant Server 0.00008.
gnomAD v4.1: 1 of 1,613,952 alleles (0.000062%); highest among the groups gnomAD compares: Non-Finnish European, 0.000085%; no homozygotes.

Submission:

Labcorp Genetics (formerly Invitae), Labcorp
Classification: Uncertain significance for Dilated cardiomyopathy 1G; Autosomal recessive limb-girdle muscular dystrophy type 2J. Last evaluated: 2022-08-15. Review status: criteria provided, single submitter. Criteria: Invitae Variant Classification Sherloc (09022015). Collection method: clinical testing. Allele origin: germline.
Comment: In summary, the available evidence is currently insufficient to determine the role of this variant in disease. Therefore, it has been classified as a Variant of Uncertain Significance. This variant is located in the M band of TTN (PMID: 25589632). Variants in this region may be relevant for neuromuscular disorders, but have not been definitively shown to cause cardiomyopathy (PMID: 23975875). Experimental studies and prediction algorithms are not available or were not evaluated, and the functional significance of this variant is currently unknown. ClinVar contains an entry for this variant (Variation ID: 1345982). This variant has not been reported in the literature in individuals affected with TTN-related conditions. This variant is not present in population databases (gnomAD no frequency). This sequence change replaces methionine, which is neutral and non-polar, with leucine, which is neutral and non-polar, at codon 34538 of the TTN protein (p.Met34538Leu).

Literature cited by the submitters: PubMed 25589632; PubMed 23975875.

NM_001267550.2(TTN):c.103612A>T (p.Met34538Leu)

Genes: TTN-AS1 (TTN antisense RNA 1; plus strand), TTN (titin; minus strand). Cytogenetic location: 2q31.2.
Variant type: single nucleotide variant.
Coding change: c.103612A>T on transcript NM_001267550.2 (MANE Select); coding-DNA position 103612, A replaced by T.
Protein change: p.Met34538Leu; replaces methionine 34538 with leucine.
Molecular consequence: missense variant.
Genome position (GRCh38, 1-based): chr2:178,533,003, T>A on the plus strand (A>T on the coding strand, the complement: TTN is on the minus strand). VCF-style: chr2-178533003-T-A. GRCh37 (hg19) VCF-style: chr2-179397730-T-A.
Other names: c.98689A>T, p.Met32897Leu (NM_001256850.1); c.76417A>T, p.Met25473Leu (NM_003319.4); c.95908A>T, p.Met31970Leu (NM_133378.4); c.76792A>T, p.Met25598Leu (NM_133432.3); c.76993A>T, p.Met25665Leu (NM_133437.4); short protein forms M25598L, M31970L, M32897L, M25473L, M25665L, M34538L.
Identifiers: ClinVar variation 1345982 (VCV001345982.6), dbSNP rs376233324, ClinGen allele CA60956989.
Genomic context (GRCh38, chr2:178,533,003, plus strand): 5'-GTTGGTCTTCTTCTATGGTAGTCTGCTTATACTTGCGTGGCTCTGGTACATCATAAGGCA[T>A]CCGGAGTTTTCTCTCCTCCTTCTTTTCTTCTATCTCAAGTCTGAATTCCCCTTTTACAGT-3'
Protein context (NP_001254479.2, residues 34528-34548): EEKKEERKLR[Met34538Leu]PYDVPEPRKY